The following is an entry in ClinVar:

NM_017617.5(NOTCH1):c.3249C>T (p.Cys1083=)

Gene: NOTCH1 (notch receptor 1; minus strand). Cytogenetic location: 9q34.3.
Variant type: single nucleotide variant.
Coding change: c.3249C>T on transcript NM_017617.5 (MANE Select); coding-DNA position 3249, C replaced by T.
Protein change: p.Cys1083=; no amino-acid change (cysteine 1083 retained).
Molecular consequence: synonymous variant.
Genome position (GRCh38, 1-based): chr9:136,508,308, G>A on the plus strand (C>T on the coding strand, the complement: NOTCH1 is on the minus strand). VCF-style: chr9-136508308-G-A. GRCh37 (hg19) VCF-style: chr9-139402760-G-A.
Other names: c.3249C>T, p.Cys1083= (LRG_1122t1); c.3249C>T (NM_017617.4).
Identifiers: ClinVar variation 415413 (VCV000415413.36), dbSNP rs139994842, ClinGen allele CA5341006.

ClinVar aggregate classification (germline): Benign/Likely benign. Review status: criteria provided, multiple submitters, no conflicts (2 of 4 stars). 11 submissions from 10 submitters: Benign (9); Likely benign (2). Last evaluated 2026-02-02.

Conditions:
Adams-Oliver syndrome 5 (AOS5). Identifiers: Orphanet 974, MedGen C4014970, MONDO:0014459, OMIM 616028.
Familial thoracic aortic aneurysm and aortic dissection (TAAD). Also called: Thoracic aortic aneurysms and dissections. Identifiers: Orphanet 91387, MedGen C4707243, MONDO:0019625.
Aortic valve disease 1 (AOVD1). Identifiers: MedGen C3887892, MONDO:0024523, OMIM 109730.

Allele frequency attached by ClinVar (database versions not stated): gnomAD exomes 0.00030 and 0.00147; gnomAD 0.00053 and 0.00070; TOPMed 0.00073; ExAC 0.00121; 1000 Genomes Project 30x 0.00437; 1000 Genomes Project 0.00479.
gnomAD v4.1: 694 of 1,612,984 alleles (0.043%); highest among the groups gnomAD compares: East Asian, 1%; 11 homozygotes.

Submissions (15):

Labcorp Genetics (formerly Invitae), Labcorp
Classification: Benign for Adams-Oliver syndrome 5. Last evaluated: 2026-02-02. Review status: criteria provided, single submitter. Criteria: Invitae Variant Classification Sherloc (09022015). Collection method: clinical testing. Allele origin: germline.

CeGaT Center for Human Genetics Tuebingen
Classification: Likely benign. Last evaluated: 2025-01-01. Review status: criteria provided, single submitter. Criteria: CeGaT Center For Human Genetics Tuebingen Variant Classification Criteria Version 2. Collection method: clinical testing. Allele origin: germline. Affected: yes. Observed: 1 variant allele.
Comment: NOTCH1: BP4, BP7, BS1

Blueprint Genetics
Classification: Likely benign. Last evaluated: 2024-11-27. Review status: criteria provided, single submitter. Criteria: ACMG Guidelines, 2015. Collection method: clinical testing. Allele origin: germline.

Women's Health and Genetics/Laboratory Corporation of America, LabCorp
Classification: Benign. Last evaluated: 2023-04-10. Review status: criteria provided, single submitter. Criteria: LabCorp Variant Classification Summary - May 2015. Collection method: clinical testing. Allele origin: germline.

ARUP Laboratories, Molecular Genetics and Genomics, ARUP Laboratories
Classification: Benign. Last evaluated: 2023-03-14. Review status: criteria provided, single submitter. Criteria: ARUP Molecular Germline Variant Investigation Process 2024. Collection method: clinical testing. Allele origin: germline.

Genome-Nilou Lab
Classification: Benign for Adams-Oliver syndrome 5. Last evaluated: 2022-03-15. Review status: criteria provided, single submitter. Criteria: ACMG Guidelines, 2015. Collection method: clinical testing. Allele origin: germline. Affected: no.

Genome-Nilou Lab
Classification: Benign for Aortic valve disease 1. Last evaluated: 2022-03-15. Review status: criteria provided, single submitter. Criteria: ACMG Guidelines, 2015. Collection method: clinical testing. Allele origin: germline. Affected: no.

CHEO Genetics Diagnostic Laboratory, Children's Hospital of Eastern Ontario
Classification: Benign for Familial thoracic aortic aneurysm and aortic dissection. Last evaluated: 2018-08-27. Review status: criteria provided, single submitter. Criteria: ACMG Guidelines, 2015. Collection method: clinical testing. Allele origin: germline.

GeneDx
Classification: Benign. Last evaluated: 2017-08-17. Review status: criteria provided, single submitter. Criteria: GeneDx Variant Classification (06012015). Collection method: clinical testing. Allele origin: germline. Affected: yes.
Comment: This variant is considered likely benign or benign based on one or more of the following criteria: it is a conservative change, it occurs at a poorly conserved position in the protein, it is predicted to be benign by multiple in silico algorithms, and/or has population frequency not consistent with disease.

Ambry Genetics
Classification: Benign for Familial thoracic aortic aneurysm and aortic dissection. Last evaluated: 2015-09-14. Review status: criteria provided, single submitter. Criteria: Ambry Variant Classification Scheme 2023. Collection method: clinical testing. Allele origin: germline.

Breakthrough Genomics
Classification: Benign. Review status: criteria provided, single submitter. Criteria: ACMG Guidelines, 2015. Collection method: not provided. Allele origin: germline. Inheritance: Autosomal dominant inheritance. Affected: yes.

Dr. Peter K. Rogan Lab, Western University
No classification provided (evidence only). Condition: Hepatocellular carcinoma. Review status: no classification provided. Collection method: in vitro. Allele origin: not applicable. Functional consequence: retained intron. Not counted in ClinVar's aggregate classification.

Dr. Peter K. Rogan Lab, Western University
No classification provided (evidence only). Condition: Malignant tumor of esophagus. Review status: no classification provided. Collection method: in vitro. Allele origin: not applicable. Functional consequence: retained intron. Not counted in ClinVar's aggregate classification.

Dr. Peter K. Rogan Lab, Western University
No classification provided (evidence only). Condition: Malignant tumor of esophagus. Review status: no classification provided. Collection method: in vitro. Allele origin: not applicable. Functional consequence: retained intron. Not counted in ClinVar's aggregate classification.

Dr. Peter K. Rogan Lab, Western University
No classification provided (evidence only). Condition: Malignant tumor of esophagus. Review status: no classification provided. Collection method: in vitro. Allele origin: not applicable. Functional consequence: retained intron. Not counted in ClinVar's aggregate classification.

Literature cited by the submitters: PubMed 24943832 (cited by Women's Health and Genetics/Laboratory Corporation of America, LabCorp); PubMed 16614245 (cited by Women's Health and Genetics/Laboratory Corporation of America, LabCorp); PubMed 21670202 (cited by Women's Health and Genetics/Laboratory Corporation of America, LabCorp); PubMed 22210878 (cited by Women's Health and Genetics/Laboratory Corporation of America, LabCorp); PubMed 19635999 (cited by Women's Health and Genetics/Laboratory Corporation of America, LabCorp); PubMed 26837699 (cited by Women's Health and Genetics/Laboratory Corporation of America, LabCorp); PubMed 23086750 (cited by Women's Health and Genetics/Laboratory Corporation of America, LabCorp); PubMed 19245433 (cited by Women's Health and Genetics/Laboratory Corporation of America, LabCorp); PubMed 22077063 (cited by Women's Health and Genetics/Laboratory Corporation of America, LabCorp); PubMed 15472075 (cited by Women's Health and Genetics/Laboratory Corporation of America, LabCorp); PubMed 23734977 (cited by Women's Health and Genetics/Laboratory Corporation of America, LabCorp); PubMed 22858860 (cited by Women's Health and Genetics/Laboratory Corporation of America, LabCorp).